The following is an entry in ClinVar:

NM_006907.4(PYCR1):c.443T>C (p.Leu148Pro)

Gene: PYCR1 (pyrroline-5-carboxylate reductase 1; minus strand). Cytogenetic location: 17q25.3.
Variant type: single nucleotide variant.
Coding change: c.443T>C on transcript NM_006907.4 (MANE Select); coding-DNA position 443, T replaced by C.
Protein change: p.Leu148Pro; replaces leucine 148 with proline.
Molecular consequence: missense variant.
Genome position (GRCh38, 1-based): chr17:81,935,023, A>G on the plus strand (T>C on the coding strand, the complement: PYCR1 is on the minus strand). VCF-style: chr17-81935023-A-G. GRCh37 (hg19) VCF-style: chr17-79892899-A-G.
Other names: c.443T>C, p.Leu148Pro (NM_001282279.2, NM_001282280.2, NM_001330523.2 and 1 more transcripts); c.524T>C, p.Leu175Pro (NM_001282281.2); short protein forms L148P, L175P.
Identifiers: ClinVar variation 1223861 (VCV001223861.4), dbSNP rs1219327272, ClinGen allele CA401538626.
Genomic context (GRCh38, chr17:81,935,023, plus strand): 5'-TCAATCAGGTCCTCTTCCACCTCCGTGCAGAAGCCCACGCTGCTCAGCAGCTGCTCCATG[A>G]GCCTCCCGTCCTCCACCTGGGCGTGCGTGCCTGTGGCATACACGGTGGCCCCCTCCCGCA-3'
Protein context (NP_008838.2, residues 138-158): GTHAQVEDGR[Leu148Pro]MEQLLSSVGF

ClinVar aggregate classification (germline): Uncertain significance (1 of 4 stars; one submission).

Submission:

GeneDx
Classification: Uncertain significance. Last evaluated: 2023-01-12. Review status: criteria provided, single submitter. Criteria: GeneDx Variant Classification Process June 2021. Collection method: clinical testing. Allele origin: germline. Affected: yes.
Comment: Not observed at significant frequency in large population cohorts (gnomAD); In silico analysis supports that this missense variant has a deleterious effect on protein structure/function; Has not been previously published as pathogenic or benign to our knowledge